The following is an entry in ClinVar:

ClinVar aggregate classification (germline): Likely benign. Review status: criteria provided, multiple submitters, no conflicts (2 of 4 stars). 3 submissions from 3 submitters: Likely benign (3). Last evaluated 2026-07-22.

Conditions:
Charcot-Marie-Tooth disease dominant intermediate B (CMTDIB). Also called: Charcot-Marie-Tooth disease dominant intermediate 1; CMT DI1; Charcot-Marie-Tooth disease dominant intermediate I; CHARCOT-MARIE-TOOTH NEUROPATHY, DOMINANT INTERMEDIATE B. Identifiers: Orphanet 100044, Orphanet 228179, MedGen C1847902, MONDO:0011674, OMIM 606482.
DNM2-related disorder. Also called: DNM2-related condition.
Inborn genetic diseases. Identifiers: MedGen C0950123, MeSH D030342.

gnomAD v4.1: 14 of 1,614,014 alleles (0.00087%); highest among the groups gnomAD compares: African/African-American, 0.008%; no homozygotes.

Submissions (3):

PreventionGenetics, part of Exact Sciences
Classification: Likely benign for DNM2-related condition. Last evaluated: 2026-07-22. Review status: criteria provided, single submitter. Criteria: ACMG Guidelines, 2015. Collection method: clinical testing. Allele origin: germline.
Comment: This variant is classified as likely benign based on ACMG/AMP sequence variant interpretation guidelines (Richards et al. 2015 PMID: 25741868, with internal and published modifications).

Ambry Genetics
Classification: Likely benign for Inborn genetic diseases. Last evaluated: 2025-04-21. Review status: criteria provided, single submitter. Criteria: Ambry Variant Classification Scheme 2023. Collection method: clinical testing. Allele origin: germline.

Labcorp Genetics (formerly Invitae), Labcorp
Classification: Likely benign for Charcot-Marie-Tooth disease dominant intermediate B. Last evaluated: 2024-07-05. Review status: criteria provided, single submitter. Criteria: Invitae Variant Classification Sherloc (09022015). Collection method: clinical testing. Allele origin: germline.

NM_001005361.3(DNM2):c.1140C>T (p.Asp380=)

Gene: DNM2 (dynamin 2; plus strand). Cytogenetic location: 19p13.2.
Variant type: single nucleotide variant.
Coding change: c.1140C>T on transcript NM_001005361.3 (MANE Select); coding-DNA position 1140, C replaced by T.
Protein change: p.Asp380=; no amino-acid change (aspartic acid 380 retained).
Molecular consequence: synonymous variant.
Genome position (GRCh38, 1-based): chr19:10,795,383, C>T. VCF-style: chr19-10795383-C-T. GRCh37 (hg19) VCF-style: chr19-10906059-C-T.
Other names: c.1140C>T, p.Asp380= (NM_001005360.3, NM_001005362.3, NM_001190716.2 and 1 more transcripts).
Identifiers: ClinVar variation 3624037 (VCV003624037.4).